The following is an entry in ClinVar:

NM_139276.3(STAT3):c.2116C>A (p.Leu706Met)

Gene: STAT3 (signal transducer and activator of transcription 3; minus strand). Cytogenetic location: 17q21.2.
Variant type: single nucleotide variant.
Coding change: c.2116C>A on transcript NM_139276.3 (MANE Select); coding-DNA position 2116, C replaced by A.
Protein change: p.Leu706Met; replaces leucine 706 with methionine.
Molecular consequence: missense variant. On other transcripts: intron variant (1).
Genome position (GRCh38, 1-based): chr17:42,317,210, G>T on the plus strand (C>A on the coding strand, the complement: STAT3 is on the minus strand). VCF-style: chr17-42317210-G-T. GRCh37 (hg19) VCF-style: chr17-40469228-G-T.
Other names: c.2116C>A, p.Leu706Met (NM_001369512.1, NM_001369513.1, NM_001369517.1 and 3 more transcripts); c.2113C>A, p.Leu705Met (NM_001369514.1, NM_001369516.1, NM_001369519.1 and 2 more transcripts); c.2032C>A, p.Leu678Met (NM_001384984.1); c.2038C>A, p.Leu680Met (NM_001384985.1); c.2128C>A, p.Leu710Met (NM_001384986.1); c.2095C>A, p.Leu699Met (NM_001384987.1); c.2017C>A, p.Leu673Met (NM_001384989.1); c.2131C>A, p.Leu711Met (NM_001384990.1); and 3 more; short protein forms L680M, L706M, L673M, L686M, L699M, L710M, L678M, L697M.
Identifiers: ClinVar variation 1429110 (VCV001429110.8), dbSNP rs2144622987, ClinGen allele CA399580235.

ClinVar aggregate classification (germline): Pathogenic (1 of 4 stars; one submission).

Conditions:
Hyper-IgE recurrent infection syndrome 1, autosomal dominant. Also called: JOB SYNDROME; STAT3 Hyper IgE Syndrome; HYPER-IgE SYNDROME 1, AUTOSOMAL DOMINANT, WITH RECURRENT INFECTIONS; Hyper-IgE recurrent infection syndrome 1; Job's Syndrome. Identifiers: Orphanet 2314, MedGen C2936739, MONDO:0007818, OMIM 147060.
STAT3 gain of function. Identifiers: MedGen C4288261.

Submission:

Labcorp Genetics (formerly Invitae), Labcorp
Classification: Pathogenic for STAT3 gain of function; Hyper-IgE recurrent infection syndrome 1, autosomal dominant. Last evaluated: 2023-12-11. Review status: criteria provided, single submitter. Criteria: Invitae Variant Classification Sherloc (09022015). Collection method: clinical testing. Allele origin: germline.
Comment: This sequence change replaces leucine, which is neutral and non-polar, with methionine, which is neutral and non-polar, at codon 706 of the STAT3 protein (p.Leu706Met). This variant is not present in population databases (gnomAD no frequency). This missense change has been observed in individuals with hyper IgE syndrome (PMID: 20048285). ClinVar contains an entry for this variant (Variation ID: 1429110). Advanced modeling of protein sequence and biophysical properties (such as structural, functional, and spatial information, amino acid conservation, physicochemical variation, residue mobility, and thermodynamic stability) performed at Invitae indicates that this missense variant is not expected to disrupt STAT3 protein function with a negative predictive value of 80%. Experimental studies have shown that this missense change affects STAT3 function (PMID: 27315770). This variant disrupts the p.Leu706 amino acid residue in STAT3. Other variant(s) that disrupt this residue have been determined to be pathogenic (Invitae). This suggests that this residue is clinically significant, and that variants that disrupt this residue are likely to be disease-causing. For these reasons, this variant has been classified as Pathogenic.

Literature cited by the submitters: PubMed 20048285; PubMed 27315770.